The following is an entry in ClinVar:

NM_001710.6(CFB):c.764A>G (p.Glu255Gly)

Gene: CFB (complement factor B; plus strand). Cytogenetic location: 6p21.33.
Variant type: single nucleotide variant.
Coding change: c.764A>G on transcript NM_001710.6 (MANE Select); coding-DNA position 764, A replaced by G.
Protein change: p.Glu255Gly; replaces glutamic acid 255 with glycine.
Molecular consequence: missense variant.
Genome position (GRCh38, 1-based): chr6:31,947,948, A>G. VCF-style: chr6-31947948-A-G. GRCh37 (hg19) VCF-style: chr6-31915725-A-G.
Other names: short protein forms E255G.
Identifiers: ClinVar variation 4976830 (VCV004976830.1).

ClinVar aggregate classification (germline): Uncertain significance (1 of 4 stars; one submission).

Conditions:
Atypical hemolytic-uremic syndrome. Identifiers: Orphanet 2134, MedGen C2931788, MONDO:0016244.

gnomAD v4.1: 11 of 1,614,214 alleles (0.00068%); highest among the groups gnomAD compares: Non-Finnish European, 0.00093%; no homozygotes.

Submission:

Genomenon, Inc
Classification: Uncertain significance for Atypical hemolytic-uremic syndrome. Last evaluated: 2026-09-17. Review status: criteria provided, single submitter. Criteria: Genomenon Sequence Variant Interpretation Standards - Updated. Collection method: curation. Allele origin: germline. Affected: yes.
Comment: CFB p.Glu255Gly (c.764A>G) is a missense variant that changes the amino acid at codon 255 from Glutamic acid to Glycine. This variant has been observed in at least one proband affected with atypical hemolytic-uremic syndrome (PMID:39437764). It is absent or not present at a significant frequency in gnomAD. In silico models predict that this variant is not damaging. In conclusion, we classify CFB p.Glu255Gly (c.764A>G) as a variant of uncertain significance.

Literature cited by the submitters: PubMed 39437764.